The following is an entry in ClinVar:

NM_001267550.2(TTN):c.6816A>T (p.Glu2272Asp)

Genes: TTN (titin; minus strand), LOC126806433 (BRD4-independent group 4 enhancer GRCh37_chr2:179638309-179639508; plus strand). Cytogenetic location: 2q31.2.
Variant type: single nucleotide variant.
Coding change: c.6816A>T on transcript NM_001267550.2 (MANE Select); coding-DNA position 6816, A replaced by T.
Protein change: p.Glu2272Asp; replaces glutamic acid 2272 with aspartic acid.
Molecular consequence: missense variant.
Genome position (GRCh38, 1-based): chr2:178,774,448, T>A on the plus strand (A>T on the coding strand, the complement: TTN is on the minus strand). VCF-style: chr2-178774448-T-A. GRCh37 (hg19) VCF-style: chr2-179639175-T-A.
Other names: c.6816A>T, p.Glu2272Asp (NM_001256850.1, NM_133378.4, NM_133379.5); c.6678A>T, p.Glu2226Asp (NM_003319.4, NM_133432.3, NM_133437.4); short protein forms E2272D, E2226D.
Identifiers: ClinVar variation 535405 (VCV000535405.4), dbSNP rs1554002953, ClinGen allele CA349681831.

ClinVar aggregate classification (germline): Uncertain significance. Review status: criteria provided, multiple submitters, no conflicts (2 of 4 stars). 2 submissions from 2 submitters: Uncertain significance (2). Last evaluated 2018-12-19.

Conditions:
Myopathy, myofibrillar, 9, with early respiratory failure (MFM9). Also called: Myopathy, distal, with early respiratory failure, autosomal dominant; EDSTROM MYOPATHY; Hereditary myopathy with early respiratory failure; MYOPATHY, PROXIMAL, WITH EARLY RESPIRATORY MUSCLE INVOLVEMENT. Identifiers: Orphanet 178464, Orphanet 34521, MedGen C1863599, MONDO:0011362, OMIM 603689.
Dilated cardiomyopathy 1G (CMD1G). Identifiers: Orphanet 154, MedGen C1858763, MONDO:0011400, OMIM 604145.
Autosomal recessive limb-girdle muscular dystrophy type 2J (LGMDR10). Also called: MUSCULAR DYSTROPHY, LIMB-GIRDLE, AUTOSOMAL RECESSIVE 10; Limb-girdle muscular dystrophy, type 2J. Identifiers: Orphanet 140922, MedGen C1837342, MONDO:0012127, OMIM 608807.

Submissions (2):

Baylor Genetics
Classification: Uncertain significance for Myopathy, myofibrillar, 9, with early respiratory failure. Last evaluated: 2018-12-19. Review status: criteria provided, single submitter. Criteria: ACMG Guidelines, 2015. Collection method: clinical testing. Allele origin: paternal. Affected: yes.
Comment: This variant was determined to be of uncertain significance according to ACMG Guidelines, 2015 [PMID:25741868].

Labcorp Genetics (formerly Invitae), Labcorp
Classification: Uncertain significance for Dilated cardiomyopathy 1G; Autosomal recessive limb-girdle muscular dystrophy type 2J. Last evaluated: 2017-10-04. Review status: criteria provided, single submitter. Criteria: Invitae Variant Classification Sherloc (09022015). Collection method: clinical testing. Allele origin: germline.